The following is an entry in ClinVar:

ClinVar aggregate classification (germline): Uncertain significance (1 of 4 stars; one submission).

Submission:

Women's Health and Genetics/Laboratory Corporation of America, LabCorp
Classification: Uncertain significance. Last evaluated: 2025-09-02. Review status: criteria provided, single submitter. Criteria: LabCorp Variant Classification Summary - May 2015. Collection method: clinical testing. Allele origin: germline.
Comment: Variant summary: FGG c.1056T>G (p.Cys352Trp) results in a non-conservative amino acid change in the encoded protein sequence. Algorithms developed to predict the effect of missense changes on protein structure and function all suggest that this variant is likely to be disruptive. The variant was absent in 251380 control chromosomes. The available data on variant occurrences in the general population are insufficient to allow any conclusion about variant significance. To our knowledge, no occurrence of c.1056T>G in individuals affected with FGG-related conditions and no experimental evidence demonstrating its impact on protein function have been reported. No submitters have cited clinical-significance assessments for this variant to ClinVar. Based on the evidence outlined above, the variant was classified as uncertain significance.

NM_021870.3(FGG):c.1056T>G (p.Cys352Trp)

Gene: FGG (fibrinogen gamma chain; minus strand). Cytogenetic location: 4q32.1.
Variant type: single nucleotide variant.
Coding change: c.1056T>G on transcript NM_021870.3 (MANE Select); coding-DNA position 1056, T replaced by G.
Protein change: p.Cys352Trp; replaces cysteine 352 with tryptophan.
Molecular consequence: missense variant.
Genome position (GRCh38, 1-based): chr4:154,606,778, A>C on the plus strand (T>G on the coding strand, the complement: FGG is on the minus strand). VCF-style: chr4-154606778-A-C. GRCh37 (hg19) VCF-style: chr4-155527930-A-C.
Other names: c.1056T>G, p.Cys352Trp (NM_000509.6); short protein forms C352W.
Identifiers: ClinVar variation 4535885 (VCV004535885.1).